The following is an entry in ClinVar:

ClinVar aggregate classification (germline): Likely benign (1 of 4 stars; one submission).

Conditions:
BAZ2B-related disorder. Also called: BAZ2B-related condition.

gnomAD v4.1: 145 of 1,613,978 alleles (0.009%); highest among the groups gnomAD compares: African/African-American, 0.11%; 2 homozygotes.

Submission:

PreventionGenetics, part of Exact Sciences
Classification: Likely benign for BAZ2B-related condition. Last evaluated: 2026-07-22. Review status: criteria provided, single submitter. Criteria: ACMG Guidelines, 2015. Collection method: clinical testing. Allele origin: germline.
Comment: This variant is classified as likely benign based on ACMG/AMP sequence variant interpretation guidelines (Richards et al. 2015 PMID: 25741868, with internal and published modifications).

NM_013450.4(BAZ2B):c.4173A>G (p.Gln1391=)

Gene: BAZ2B (bromodomain adjacent to zinc finger domain 2B; minus strand). Cytogenetic location: 2q24.2.
Variant type: single nucleotide variant.
Coding change: c.4173A>G on transcript NM_013450.4 (MANE Select); coding-DNA position 4173, A replaced by G.
Protein change: p.Gln1391=; no amino-acid change (glutamine 1391 retained).
Molecular consequence: synonymous variant.
Genome position (GRCh38, 1-based): chr2:159,373,085, T>C on the plus strand (A>G on the coding strand, the complement: BAZ2B is on the minus strand). VCF-style: chr2-159373085-T-C. GRCh37 (hg19) VCF-style: chr2-160229596-T-C.
Other names: c.4065A>G, p.Gln1355= (NM_001289975.1); c.4011A>G, p.Gln1337= (NM_001329857.2); c.4098A>G, p.Gln1366= (NM_001329858.2).
Identifiers: ClinVar variation 4981480 (VCV004981480.1).
Genomic context (GRCh38, chr2:159,373,085, plus strand): 5'-ATCGGATTATGAGTTCTAACCTTCACCACTCTCCATGCCTTCTACAAAAATCCCCCCACA[T>C]TGGGGAAGAATCCAGTACCGGCGTCTGTAACGATCTTGGCCAAACATCACTGAACGCAAT-3'
Protein context (NP_038478.2, residues 1381-1401): RYRRRYWILP[Gln1391=]CGGIFVEGME